The following is an entry in ClinVar:

NM_001160148.2(DDHD1):c.442C>G (p.Leu148Val)

Gene: DDHD1 (DDHD domain containing 1; minus strand). Cytogenetic location: 14q22.1.
Variant type: single nucleotide variant.
Coding change: c.442C>G on transcript NM_001160148.2 (MANE Select); coding-DNA position 442, C replaced by G.
Protein change: p.Leu148Val; replaces leucine 148 with valine.
Molecular consequence: missense variant.
Genome position (GRCh38, 1-based): chr14:53,152,657, G>C on the plus strand (C>G on the coding strand, the complement: DDHD1 is on the minus strand). VCF-style: chr14-53152657-G-C. GRCh37 (hg19) VCF-style: chr14-53619375-G-C.
Other names: c.442C>G, p.Leu148Val (NM_001160147.2, NM_030637.3); short protein forms L148V.
Identifiers: ClinVar variation 1956719 (VCV001956719.5), dbSNP rs1477137789, ClinGen allele CA389780750.

ClinVar aggregate classification (germline): Uncertain significance (1 of 4 stars; one submission).

Conditions:
Hereditary spastic paraplegia 28. Also called: Spastic paraplegia 28, autosomal recessive. Identifiers: Orphanet 101008, MedGen C1836295, MONDO:0012256, OMIM 609340.

gnomAD v4.1: 4 of 1,612,994 alleles (0.00025%); highest among the groups gnomAD compares: Non-Finnish European, 0.00034%; no homozygotes.

Submission:

Labcorp Genetics (formerly Invitae), Labcorp
Classification: Uncertain significance for Hereditary spastic paraplegia 28. Last evaluated: 2022-08-06. Review status: criteria provided, single submitter. Criteria: Invitae Variant Classification Sherloc (09022015). Collection method: clinical testing. Allele origin: germline.
Comment: This variant is not present in population databases (gnomAD no frequency). This variant has not been reported in the literature in individuals affected with DDHD1-related conditions. Algorithms developed to predict the effect of missense changes on protein structure and function (SIFT, PolyPhen-2, Align-GVGD) all suggest that this variant is likely to be tolerated. In summary, the available evidence is currently insufficient to determine the role of this variant in disease. Therefore, it has been classified as a Variant of Uncertain Significance. This sequence change replaces leucine, which is neutral and non-polar, with valine, which is neutral and non-polar, at codon 148 of the DDHD1 protein (p.Leu148Val).